The following is an entry in ClinVar:

NM_001164508.2(NEB):c.16696C>T (p.Gln5566Ter)

Gene: NEB (nebulin; minus strand). Cytogenetic location: 2q23.3.
Variant type: single nucleotide variant.
Coding change: c.16696C>T on transcript NM_001164508.2 (MANE Select); coding-DNA position 16696, C replaced by T.
Protein change: p.Gln5566Ter; replaces glutamine 5566 with a stop codon.
Molecular consequence: nonsense. On other transcripts: intron variant (1).
Genome position (GRCh38, 1-based): chr2:151,579,346, G>A on the plus strand (C>T on the coding strand, the complement: NEB is on the minus strand). VCF-style: chr2-151579346-G-A. GRCh37 (hg19) VCF-style: chr2-152435860-G-A.
Other names: c.16696C>T, p.Gln5566Ter (NM_001164507.2, NM_001271208.2); c.11602-2992C>T (NM_004543.5); short protein forms Q5566*.
Identifiers: ClinVar variation 4814729 (VCV004814729.1).
Genomic context (GRCh38, chr2:151,579,346, plus strand): 5'-GGAGCCATCAGGCAAAGCAATGGGGGACTTGTTTCCTGGGCGACACACTTACGTCGCTCT[G>A]TAGGTCGTAGGCTTTCCTGGCTTGGATCACATCATTCTGGTCGGGAAAGCAAGACCAGCG-3'

ClinVar aggregate classification (germline): Likely pathogenic (1 of 4 stars; one submission).

Conditions:
Nemaline myopathy 2 (NEM2). Also called: Nemaline myopathy 2, autosomal recessive. Identifiers: MedGen C1850569, MONDO:0009725, OMIM 256030.

Submission:

Natera, Inc.
Classification: Likely pathogenic for Nemaline myopathy type 2. Last evaluated: 2025-11-04. Review status: criteria provided, single submitter. Criteria: Natera Variant Classification Schema (03/2026). Collection method: clinical testing. Allele origin: germline.
Comment: The c.16696C>T variant in NEB is a nonsense variant predicted to introduce a stop codon at amino acid 5566. This variant is expected to result in nonsense mediated decay, truncation, or a dysfunctional protein product. This variant is rare in the general population with a frequency below the threshold expected for the associated phenotype(s). Given the available evidence, this variant is classified as Likely Pathogenic.